The following is an entry in ClinVar:

ClinVar aggregate classification (germline): Uncertain significance (1 of 4 stars; one submission).

Submission:

GeneDx
Classification: Uncertain significance. Last evaluated: 2026-04-14. Review status: criteria provided, single submitter. Criteria: GeneDx Variant Classification Process June 2021. Collection method: clinical testing. Allele origin: germline.
Comment: Not observed at significant frequency in large population cohorts (gnomAD); In silico analysis suggests that this missense variant does not alter protein structure/function; Has not been previously published as pathogenic or benign to our knowledge; Reported using an alternate transcript of the gene

NM_031263.4(HNRNPK):c.*35A>G

Gene: HNRNPK (heterogeneous nuclear ribonucleoprotein K; minus strand). Cytogenetic location: 9q21.32.
Variant type: single nucleotide variant.
Coding change: c.*35A>G on transcript NM_031263.4 (MANE Select); 35 bases downstream of the stop codon, A replaced by G.
Molecular consequence: 3 prime UTR variant. On other transcripts: missense variant (3).
Genome position (GRCh38, 1-based): chr9:83,969,372, T>C on the plus strand (A>G on the coding strand, the complement: HNRNPK is on the minus strand). VCF-style: chr9-83969372-T-C. GRCh37 (hg19) VCF-style: chr9-86584287-T-C.
Other names: c.1298A>G, p.Gln433Arg (NM_001318186.2); c.*35A>G (NM_001318187.2, NM_002140.5); c.1370A>G, p.Gln457Arg (NM_001318188.2, NM_031262.4); short protein forms Q433R, Q457R.
Identifiers: ClinVar variation 5037742 (VCV005037742.1).
Genomic context (GRCh38, chr9:83,969,372, plus strand): 5'-AAAAAAAGATGCAGGACTCCTTCAGTTCTTCACTAGTCTTAGAAAAACTTTCCAGAATAC[T>C]GCTTCACACTATAAAAAAGAAAAAATATCTTGCATTAGAATCCTTCAACATCTGCATACT-3'